The following is an entry in ClinVar:

ClinVar aggregate classification (germline): Uncertain significance. Review status: criteria provided, single submitter (1 of 4 stars). 2 submissions from 2 submitters: Uncertain significance (1). 1 of the submissions does not count toward it. Last evaluated 2026-05-15.

Conditions:
DEPDC5-related disorder. Also called: DEPDC5-related condition; DEPDC5-related related disorder.

gnomAD v4.1: 1 of 1,611,882 alleles (0.000062%); highest among the groups gnomAD compares: Non-Finnish European, 0.000085%; no homozygotes.

Submissions (2):

Women's Health and Genetics/Laboratory Corporation of America, LabCorp
Classification: Uncertain significance. Last evaluated: 2026-05-15. Review status: criteria provided, single submitter. Criteria: LabCorp Variant Classification Summary - May 2015. Collection method: clinical testing. Allele origin: germline.
Comment: Variant summary: DEPDC5 c.770T>G (p.Val257Gly) results in a non-conservative amino acid change in the encoded protein sequence. Algorithms developed to predict the effect of missense changes on protein structure and function all suggest that this variant is likely to be disruptive. Consensus agreement among computation tools predict no significant impact on normal splicing. However, these predictions have yet to be confirmed by functional studies. The variant was absent in 249044 control chromosomes. The available data on variant occurrences in the general population are insufficient to allow any conclusion about variant significance. To our knowledge, no occurrence of c.770T>G in individuals affected with DEPDC5-related conditions and no experimental evidence demonstrating its impact on protein function have been reported. ClinVar contains an entry for this variant (Variation ID: 3357336). Based on the evidence outlined above, the variant was classified as uncertain significance.

PreventionGenetics, part of Exact Sciences
Classification: Uncertain significance for DEPDC5-related condition. Last evaluated: 2024-09-09. Review status: no assertion criteria provided. Collection method: clinical testing. Allele origin: germline. Not counted in ClinVar's aggregate classification.
Comment: The DEPDC5 c.770T>G variant is predicted to result in the amino acid substitution p.Val257Gly. To our knowledge, this variant has not been reported in the literature or in a large population database, indicating this variant is rare. At this time, the clinical significance of this variant is uncertain due to the absence of conclusive functional and genetic evidence.

NM_001242896.3(DEPDC5):c.770T>G (p.Val257Gly)

Gene: DEPDC5 (DEP domain containing 5, GATOR1 subcomplex subunit; plus strand). Cytogenetic location: 22q12.2.
Variant type: single nucleotide variant.
Coding change: c.770T>G on transcript NM_001242896.3 (MANE Select); coding-DNA position 770, T replaced by G.
Protein change: p.Val257Gly; replaces valine 257 with glycine.
Molecular consequence: missense variant. On other transcripts: non-coding transcript variant (5).
Genome position (GRCh38, 1-based): chr22:31,797,602, T>G. VCF-style: chr22-31797602-T-G. GRCh37 (hg19) VCF-style: chr22-32193588-T-G.
Other names: c.770T>G, p.Val257Gly (NM_001363852.2, NM_001363854.2, NM_001364318.2 and 7 more transcripts); c.686T>G, p.Val229Gly (NM_001369901.1, NM_001369902.1); short protein forms V229G, V257G.
Identifiers: ClinVar variation 3357336 (VCV003357336.2).